The following is an entry in ClinVar:

NM_182895.5(SCARF2):c.1796C>T (p.Ala599Val)

Gene: SCARF2 (scavenger receptor class F member 2; minus strand). Cytogenetic location: 22q11.21.
Variant type: single nucleotide variant.
Coding change: c.1796C>T on transcript NM_182895.5 (MANE Select); coding-DNA position 1796, C replaced by T.
Protein change: p.Ala599Val; replaces alanine 599 with valine.
Molecular consequence: missense variant.
Genome position (GRCh38, 1-based): chr22:20,426,180, G>A on the plus strand (C>T on the coding strand, the complement: SCARF2 is on the minus strand). VCF-style: chr22-20426180-G-A. GRCh37 (hg19) VCF-style: chr22-20780467-G-A.
Other names: c.1811C>T, p.Ala604Val (NM_153334.7); short protein forms A599V, A604V.
Identifiers: ClinVar variation 1482134 (VCV001482134.8), dbSNP rs1290926703, ClinGen allele CA410740381.

ClinVar aggregate classification (germline): Uncertain significance (1 of 4 stars; one submission).

Allele frequency attached by ClinVar (database versions not stated): gnomAD exomes 0.00001.
gnomAD v4.1: 6 of 1,506,562 alleles (0.0004%); highest among the groups gnomAD compares: East Asian, 0.005%; no homozygotes.

Submission:

Labcorp Genetics (formerly Invitae), Labcorp
Classification: Uncertain significance. Last evaluated: 2021-09-19. Review status: criteria provided, single submitter. Criteria: Invitae Variant Classification Sherloc (09022015). Collection method: clinical testing. Allele origin: germline.
Comment: This sequence change replaces alanine with valine at codon 604 of the SCARF2 protein (p.Ala604Val). The alanine residue is weakly conserved and there is a small physicochemical difference between alanine and valine. The frequency data for this variant in the population databases is considered unreliable, as metrics indicate insufficient coverage at this position in the ExAC database. This variant has not been reported in the literature in individuals with SCARF2-related conditions. Algorithms developed to predict the effect of missense changes on protein structure and function (SIFT, PolyPhen-2, Align-GVGD) all suggest that this variant is likely to be tolerated, but these predictions have not been confirmed by published functional studies and their clinical significance is uncertain. Algorithms developed to predict the effect of sequence changes on RNA splicing suggest that this variant may create or strengthen a splice site, but this prediction has not been confirmed by published transcriptional studies. In summary, the available evidence is currently insufficient to determine the role of this variant in disease. Therefore, it has been classified as a Variant of Uncertain Significance.